The following is an entry in ClinVar:

NM_032790.4(ORAI1):c.614A>T (p.Gln205Leu)

Gene: ORAI1 (ORAI calcium release-activated calcium modulator 1; plus strand). Cytogenetic location: 12q24.31.
Variant type: single nucleotide variant.
Coding change: c.614A>T on transcript NM_032790.4 (MANE Select); coding-DNA position 614, A replaced by T.
Protein change: p.Gln205Leu; replaces glutamine 205 with leucine.
Genome position (GRCh38, 1-based): chr12:121,641,351, A>T. VCF-style: chr12-121641351-A-T. GRCh37 (hg19) VCF-style: chr12-122079257-A-T.
Other names: short protein forms Q205L.
Identifiers: ClinVar variation 1723305 (VCV001723305.3), dbSNP rs2503543950, ClinGen allele CA386983927.

ClinVar aggregate classification (germline): Uncertain significance. Review status: criteria provided, multiple submitters, no conflicts (2 of 4 stars). 2 submissions from 2 submitters: Uncertain significance (2). Last evaluated 2026-03-11.

Submissions (2):

Women's Health and Genetics/Laboratory Corporation of America, LabCorp
Classification: Uncertain significance. Last evaluated: 2026-03-11. Review status: criteria provided, single submitter. Criteria: LabCorp Variant Classification Summary - May 2015. Collection method: clinical testing. Allele origin: germline.
Comment: Variant summary: ORAI1 c.620A>T (p.Gln207Leu) results in a non-conservative amino acid change in the encoded protein sequence. Algorithms developed to predict the effect of missense changes on protein structure and function are either unavailable or do not agree on the potential impact of this missense change. The variant was absent in 246838 control chromosomes. The available data on variant occurrences in the general population are insufficient to allow any conclusion about variant significance. To our knowledge, no occurrence of c.620A>T in individuals affected with ORAI1-related conditions and no experimental evidence demonstrating its impact on protein function have been reported. ClinVar contains an entry for this variant (Variation ID: 1723305). Based on the evidence outlined above, the variant was classified as uncertain significance.

GeneDx
Classification: Uncertain significance. Last evaluated: 2025-04-02. Review status: criteria provided, single submitter. Criteria: GeneDx Variant Classification Process June 2021. Collection method: clinical testing. Allele origin: germline. Affected: yes.
Comment: Not observed at significant frequency in large population cohorts (gnomAD); In silico analysis supports that this missense variant has a deleterious effect on protein structure/function; Has not been previously published as pathogenic or benign to our knowledge